The following is an entry in ClinVar:

ClinVar aggregate classification (germline): Uncertain significance (1 of 4 stars; one submission).

Submission:

Labcorp Genetics (formerly Invitae), Labcorp
Classification: Uncertain significance. Last evaluated: 2023-11-18. Review status: criteria provided, single submitter. Criteria: Invitae Variant Classification Sherloc (09022015). Collection method: clinical testing. Allele origin: germline.
Comment: This sequence change replaces arginine, which is basic and polar, with serine, which is neutral and polar, at codon 305 of the VCAN protein (p.Arg305Ser). This variant is not present in population databases (gnomAD no frequency). This variant has not been reported in the literature in individuals affected with VCAN-related conditions. An algorithm developed to predict the effect of missense changes on protein structure and function (PolyPhen-2) suggests that this variant is likely to be disruptive. In summary, the available evidence is currently insufficient to determine the role of this variant in disease. Therefore, it has been classified as a Variant of Uncertain Significance.

NM_004385.5(VCAN):c.913C>A (p.Arg305Ser)

Gene: VCAN (versican; plus strand). Cytogenetic location: 5q14.3.
Variant type: single nucleotide variant.
Coding change: c.913C>A on transcript NM_004385.5 (MANE Select); coding-DNA position 913, C replaced by A.
Protein change: p.Arg305Ser; replaces arginine 305 with serine.
Molecular consequence: missense variant.
Genome position (GRCh38, 1-based): chr5:83,512,267, C>A. VCF-style: chr5-83512267-C-A. GRCh37 (hg19) VCF-style: chr5-82808086-C-A.
Other names: c.913C>A, p.Arg305Ser (NM_001126336.3, NM_001164097.2, NM_001164098.2); short protein forms R305S.
Identifiers: ClinVar variation 2693309 (VCV002693309.3), dbSNP rs1434878313, ClinGen allele CA360298180.